The following is an entry in ClinVar:

NM_020347.4(LZTFL1):c.721G>A (p.Ala241Thr)

Gene: LZTFL1 (leucine zipper transcription factor like 1; minus strand). Cytogenetic location: 3p21.31.
Variant type: single nucleotide variant.
Coding change: c.721G>A on transcript NM_020347.4 (MANE Select); coding-DNA position 721, G replaced by A.
Protein change: p.Ala241Thr; replaces alanine 241 with threonine.
Molecular consequence: missense variant. On other transcripts: non-coding transcript variant (1).
Genome position (GRCh38, 1-based): chr3:45,828,495, C>T on the plus strand (G>A on the coding strand, the complement: LZTFL1 is on the minus strand). VCF-style: chr3-45828495-C-T. GRCh37 (hg19) VCF-style: chr3-45869987-C-T.
Other names: c.670G>A, p.Ala224Thr (NM_001276378.2, NM_001386451.1); c.709G>A, p.Ala237Thr (NM_001276379.2); c.721G>A, p.Ala241Thr (NM_001386452.1); c.721G>A (NM_020347.2); short protein forms A241T, A224T, A237T.
Identifiers: ClinVar variation 942084 (VCV000942084.10), dbSNP rs73064420, ClinGen allele CA2351875.
Genomic context (GRCh38, chr3:45,828,495, plus strand): 5'-TGACCTTTTCAGCCATGTGCAGCTGCTCCTGAACCCTGAGTAGATCGTGCTTGGCTGTCG[C>T]CAGATTCTCCTCCAGTGACTTCTGGTTTTCTGTCTTGTCATTAAGTGTCTTCTGAAACTC-3'
Protein context (NP_065080.1, residues 231-251): ENQKSLEENL[Ala241Thr]TAKHDLLRVQ

ClinVar aggregate classification (germline): Uncertain significance. Review status: criteria provided, multiple submitters, no conflicts (2 of 4 stars). 5 submissions from 5 submitters: Uncertain significance (5). Last evaluated 2026-07-06.

Conditions:
Bardet-Biedl syndrome 17 (BBS17). Identifiers: Orphanet 110, MedGen C3714980, MONDO:0014445, OMIM 615994.
Inborn genetic diseases. Identifiers: MedGen C0950123, MeSH D030342.
LZTFL1-related disorder. Also called: LZTFL1-related condition.

Allele frequency attached by ClinVar (database versions not stated): 1000 Genomes Project 30x 0.00016; gnomAD exomes 0.00021 and 0.00009; ExAC 0.00002; TOPMed 0.00011; gnomAD 0.00013 and 0.00014; ESP Exome Variant Server 0.00015.

Submissions (5):

PreventionGenetics, part of Exact Sciences
Classification: Uncertain significance for LZTFL1-related condition. Last evaluated: 2026-07-06. Review status: criteria provided, single submitter. Criteria: ACMG Guidelines, 2015. Collection method: clinical testing. Allele origin: germline.
Comment: The LZTFL1 c.721G>A variant is predicted to result in the amino acid substitution p.Ala241Thr. To our knowledge, this variant has not been reported in the literature. This variant is reported in 0.017% of alleles in individuals of European (Non-Finnish) descent in gnomAD. At this time, the clinical significance of this variant is uncertain due to the absence of conclusive functional and genetic evidence.

Fulgent Genetics
Classification: Uncertain significance for Bardet-Biedl syndrome 17. Last evaluated: 2024-06-13. Review status: criteria provided, single submitter. Criteria: ACMG Guidelines, 2015. Collection method: clinical testing. Allele origin: germline.

Labcorp Genetics (formerly Invitae), Labcorp
Classification: Uncertain significance. Last evaluated: 2022-10-25. Review status: criteria provided, single submitter. Criteria: Invitae Variant Classification Sherloc (09022015). Collection method: clinical testing. Allele origin: germline.
Comment: This sequence change replaces alanine, which is neutral and non-polar, with threonine, which is neutral and polar, at codon 241 of the LZTFL1 protein (p.Ala241Thr). This variant is present in population databases (rs73064420, gnomAD 0.02%). This variant has not been reported in the literature in individuals affected with LZTFL1-related conditions. ClinVar contains an entry for this variant (Variation ID: 942084). Advanced modeling of protein sequence and biophysical properties (such as structural, functional, and spatial information, amino acid conservation, physicochemical variation, residue mobility, and thermodynamic stability) performed at Invitae indicates that this missense variant is not expected to disrupt LZTFL1 protein function. In summary, the available evidence is currently insufficient to determine the role of this variant in disease. Therefore, it has been classified as a Variant of Uncertain Significance.

Ambry Genetics
Classification: Uncertain significance for Inborn genetic diseases. Last evaluated: 2021-08-20. Review status: criteria provided, single submitter. Criteria: Ambry Variant Classification Scheme 2023. Collection method: clinical testing. Allele origin: germline.

Breakthrough Genomics
Classification: Uncertain significance. Review status: criteria provided, single submitter. Criteria: ACMG Guidelines, 2015. Collection method: not provided. Allele origin: germline. Inheritance: Autosomal recessive inheritance. Affected: yes.